The following is an entry in ClinVar:

ClinVar aggregate classification (germline): Uncertain significance (1 of 4 stars; one submission).

Submission:

Labcorp Genetics (formerly Invitae), Labcorp
Classification: Uncertain significance. Last evaluated: 2023-09-15. Review status: criteria provided, single submitter. Criteria: Invitae Variant Classification Sherloc (09022015). Collection method: clinical testing. Allele origin: germline.
Comment: This variant, c.4586_4588del, results in the deletion of 1 amino acid(s) of the CHD4 protein (p.Lys1529del), but otherwise preserves the integrity of the reading frame. This variant is present in population databases (rs745414096, gnomAD 0.02%). This variant has not been reported in the literature in individuals affected with CHD4-related conditions. Experimental studies and prediction algorithms are not available or were not evaluated, and the functional significance of this variant is currently unknown. In summary, the available evidence is currently insufficient to determine the role of this variant in disease. Therefore, it has been classified as a Variant of Uncertain Significance.

NM_001273.5(CHD4):c.4583AGA[1] (p.Lys1529del)

Genes: CHD4 (chromodomain helicase DNA binding protein 4; minus strand), CHD4-AS1 (CHD4 antisense RNA 1; plus strand). Cytogenetic location: 12p13.31.
Variant type: Microsatellite.
Coding change: c.4583AGA[1] on transcript NM_001273.5 (MANE Select); one copy of the 3-base unit AGA starting at c.4583; the reference has two copies in a row; one copy, 3 bases deleted.
Protein change: p.Lys1529del; deletes lysine 1529.
Molecular consequence: inframe deletion.
Genome position (GRCh38, 1-based): chr12:6,581,742-6,581,744, TCT deleted on the plus strand (AGA on the coding strand, the reverse complement: CHD4 is on the minus strand); deleting any 3 consecutive bases within chr12:6,581,742-6,581,748 gives the same sequence; the position shown is the placement nearest the transcript's 3' end. VCF-style (leftmost placement, unchanged base first): chr12-6581741-ATCT-A. GRCh37 (hg19) VCF-style: chr12-6690907-ATCT-A.
Other names: c.4562AGA[1], p.Lys1522del (NM_001297553.2); c.4544AGA[1], p.Lys1516del (NM_001363606.2); short protein forms K1516del, K1529del, K1522del.
Identifiers: ClinVar variation 2900114 (VCV002900114.3), dbSNP rs745414096, ClinGen allele CA6411544.